The following is an entry in ClinVar:

NM_000051.4(ATM):c.3126_3137del (p.Val1043_Leu1046del)

Gene: ATM (ATM serine/threonine kinase; plus strand). Cytogenetic location: 11q22.3.
Variant type: Deletion.
Coding change: c.3126_3137del on transcript NM_000051.4 (MANE Select); coding-DNA positions 3126 to 3137, 12 bases deleted (AGTAAATTGCCT).
Protein change: p.Val1043_Leu1046del.
Molecular consequence: inframe deletion. On other transcripts: inframe indel (1).
Genome position (GRCh38, 1-based): chr11:108,272,580-108,272,591, AGTAAATTGCCT deleted; deleting any 12 consecutive bases within chr11:108,272,577-108,272,591 gives the same sequence; the c. name uses the placement nearest the transcript's 3' end. VCF-style (leftmost placement, unchanged base first): chr11-108272576-CCCTAGTAAATTG-C. GRCh37 (hg19) VCF-style: chr11-108143303-CCCTAGTAAATTG-C.
Other names: c.3126_3137del, p.Val1043_Leu1046del (NM_001351834.2); c.3126_3137del12 (NM_000051.3).
Identifiers: ClinVar variation 1727892 (VCV001727892.2), dbSNP rs2497713513, ClinGen allele CA2580083293.

ClinVar aggregate classification (germline): Uncertain significance (1 of 4 stars; one submission).

Conditions:
Hereditary cancer-predisposing syndrome. Also called: Tumor predisposition; Neoplastic Syndromes, Hereditary; Hereditary Cancer Syndrome; Hereditary neoplastic syndrome. Identifiers: Orphanet 140162, MedGen C0027672, MeSH D009386, MONDO:0015356.

Submission:

Ambry Genetics
Classification: Uncertain significance for Hereditary cancer-predisposing syndrome. Last evaluated: 2020-11-05. Review status: criteria provided, single submitter. Criteria: Ambry Variant Classification Scheme 2023. Collection method: clinical testing. Allele origin: germline.
Comment: The c.3126_3137del12 variant (also known as p.V1043_L1046del) is located in coding exon 20 of the ATM gene. This variant results from an in-frame AGTAAATTGCCT deletion at nucleotide positions 3126 to 3137. This results in the in-frame deletion of four residues at codons 1043 to 1046. This amino acid region is poorly conserved in available vertebrate species. In addition, this alteration is predicted to be deleterious by in silico analysis (Choi Y et al. PLoS ONE. 2012; 7(10):e46688). This variant was not reported in population-based cohorts in the Genome Aggregation Database (gnomAD). Since supporting evidence is limited at this time, the clinical significance of this alteration remains unclear.